The following is an entry in ClinVar:

ClinVar aggregate classification (germline): Pathogenic (1 of 4 stars; one submission).

Submission:

Labcorp Genetics (formerly Invitae), Labcorp
Classification: Pathogenic. Last evaluated: 2025-10-14. Review status: criteria provided, single submitter. Criteria: Invitae Variant Classification Sherloc (09022015). Collection method: clinical testing. Allele origin: germline.
Comment: This sequence change creates a premature translational stop signal (p.Gln38*) in the HHAT gene. It is expected to result in an absent or disrupted protein product. Loss-of-function variants in HHAT are known to be pathogenic (PMID: 24784881). This variant is not present in population databases (gnomAD no frequency). This variant has not been reported in the literature in individuals affected with HHAT-related conditions. Algorithms developed to predict the effect of sequence changes on RNA splicing suggest that this variant may disrupt the consensus splice site. For these reasons, this variant has been classified as Pathogenic.

Literature cited by the submitters: PubMed 24784881.

NM_018194.6(HHAT):c.112C>T (p.Gln38Ter)

Gene: HHAT (hedgehog acyltransferase; plus strand). Cytogenetic location: 1q32.2.
Variant type: single nucleotide variant.
Coding change: c.112C>T on transcript NM_018194.6 (MANE Select); coding-DNA position 112, C replaced by T.
Protein change: p.Gln38Ter; replaces glutamine 38 with a stop codon.
Molecular consequence: nonsense.
Genome position (GRCh38, 1-based): chr1:210,362,872, C>T. VCF-style: chr1-210362872-C-T. GRCh37 (hg19) VCF-style: chr1-210536216-C-T.
Other names: c.112C>T, p.Gln38Ter (NM_001122834.4, NM_001170564.3, NM_001170580.3 and 1 more transcripts); c.115C>T, p.Gln39Ter (NM_001170587.3); short protein forms Q38*, Q39*.
Identifiers: ClinVar variation 4729067 (VCV004729067.1).